The following is an entry in ClinVar:

ClinVar aggregate classification (germline): Pathogenic (1 of 4 stars; one submission).

Conditions:
Seizure. Also called: Seizures. Identifiers: MedGen C0036572, HP:0001250.

Submission:

Cytogénomique, Hospices Civils de Lyon
Classification: Pathogenic for Seizure. Last evaluated: 2021-02-12. Review status: criteria provided, single submitter. Criteria: ACMG Guidelines, 2015. Collection method: clinical testing. Allele origin: paternal. Inheritance: Autosomal dominant inheritance. Affected: yes. Observed: 1 variant allele, 1 heterozygote.
Comment: Deletion of exons 2 and 3 absent from public database. Fits with phenotype presentation. Frameshift.

NM_172107.4:c.(296+1_297-1)_(514+1_515-1)del

Gene: KCNQ2 (potassium voltage-gated channel subfamily Q member 2; minus strand).
Variant type: Deletion.
Other names: c.(296+1_297-1)_(514+1_515-1)del (NM_172107.4).
Identifiers: ClinVar variation 997696 (VCV000997696.2).